The following is an entry in ClinVar:

ClinVar aggregate classification (germline): Uncertain significance (1 of 4 stars; one submission).

Conditions:
Growth hormone insensitivity with immune dysregulation 1, autosomal recessive. Also called: GROWTH HORMONE INSENSITIVITY SYNDROME WITH IMMUNE DYSREGULATION 1, AUTOSOMAL RECESSIVE; Laron syndrome with immunodeficiency; GROWTH HORMONE INSENSITIVITY DUE TO POSTRECEPTOR DEFECT; LARON SYNDROME DUE TO POSTRECEPTOR DEFECT. Identifiers: Orphanet 220465, MedGen C5435698, MONDO:0100211, OMIM 245590.

Submission:

Labcorp Genetics (formerly Invitae), Labcorp
Classification: Uncertain significance for Growth hormone insensitivity with immune dysregulation 1, autosomal recessive. Last evaluated: 2019-01-22. Review status: criteria provided, single submitter. Criteria: Invitae Variant Classification Sherloc (09022015). Collection method: clinical testing. Allele origin: germline.
Comment: In summary, the available evidence is currently insufficient to determine the role of this variant in disease. Therefore, it has been classified as a Variant of Uncertain Significance. Algorithms developed to predict the effect of missense changes on protein structure and function are either unavailable or do not agree on the potential impact of this missense change (SIFT: "Deleterious"; PolyPhen-2: "Benign"; Align-GVGD: "Class C25"). This variant has not been reported in the literature in individuals with STAT5B-related conditions. This variant is not present in population databases (ExAC no frequency). This sequence change replaces isoleucine with valine at codon 373 of the STAT5B protein (p.Ile373Val). The isoleucine residue is highly conserved and there is a small physicochemical difference between isoleucine and valine.

NM_012448.4(STAT5B):c.1117A>G (p.Ile373Val)

Gene: STAT5B (signal transducer and activator of transcription 5B; minus strand). Cytogenetic location: 17q21.2.
Variant type: single nucleotide variant.
Coding change: c.1117A>G on transcript NM_012448.4 (MANE Select); coding-DNA position 1117, A replaced by G.
Protein change: p.Ile373Val; replaces isoleucine 373 with valine.
Molecular consequence: missense variant.
Genome position (GRCh38, 1-based): chr17:42,218,203, T>C on the plus strand (A>G on the coding strand, the complement: STAT5B is on the minus strand). VCF-style: chr17-42218203-T-C. GRCh37 (hg19) VCF-style: chr17-40370221-T-C.
Other names: short protein forms I373V.
Identifiers: ClinVar variation 848352 (VCV000848352.10), dbSNP rs2080189921, ClinGen allele CA399584734.